The following is an entry in ClinVar:

NM_006031.6(PCNT):c.4382C>T (p.Thr1461Ile)

Gene: PCNT (pericentrin; plus strand). Cytogenetic location: 21q22.3.
Variant type: single nucleotide variant.
Coding change: c.4382C>T on transcript NM_006031.6 (MANE Select); coding-DNA position 4382, C replaced by T.
Protein change: p.Thr1461Ile; replaces threonine 1461 with isoleucine.
Molecular consequence: missense variant.
Genome position (GRCh38, 1-based): chr21:46,397,430, C>T. VCF-style: chr21-46397430-C-T. GRCh37 (hg19) VCF-style: chr21-47817344-C-T.
Other names: c.4028C>T, p.Thr1343Ile (NM_001315529.2); short protein forms T1343I, T1461I.
Identifiers: ClinVar variation 4990183 (VCV004990183.1).
Genomic context (GRCh38, chr21:46,397,430, plus strand): 5'-CTGAGTTAGAAGAACAGCTGTCTCAGCATCGCGGGTGTGCCAAGCAGGCGGAGGCCGTCA[C>T]TGCCCTGGAACAGCAGGTGGCATCTCTGGACAAGCATTTGCGCAACCAGCGGCAATTCAT-3'
Protein context (NP_006022.3, residues 1451-1471): RGCAKQAEAV[Thr1461Ile]ALEQQVASLD

ClinVar aggregate classification (germline): Uncertain significance (1 of 4 stars; one submission).

Conditions:
PCNT-related disorder. Also called: PCNT-related condition.

gnomAD v4.1: 14 of 1,614,112 alleles (0.00087%); highest among the groups gnomAD compares: African/African-American, 0.0013%; no homozygotes.

Submission:

PreventionGenetics, part of Exact Sciences
Classification: Uncertain significance for PCNT-related condition. Last evaluated: 2025-11-02. Review status: criteria provided, single submitter. Criteria: ACMG Guidelines, 2015. Collection method: clinical testing. Allele origin: germline.
Comment: The PCNT c.4382C>T variant is predicted to result in the amino acid substitution p.Thr1461Ile. To our knowledge, this variant has not been reported in the literature or in a large population database (gnomAD), indicating this variant is rare. At this time, the clinical significance of this variant is uncertain due to the absence of conclusive functional and genetic evidence.